The following is an entry in ClinVar:

NM_001002294.3(FMO3):c.884_885del (p.Gly295fs)

Gene: FMO3 (flavin containing dimethylaniline monoxygenase 3; plus strand). Cytogenetic location: 1q24.3.
Variant type: Deletion.
Coding change: c.884_885del on transcript NM_001002294.3 (MANE Select); coding-DNA positions 884 to 885, 2 bases deleted (GC; older notation c.884_885delGC).
Protein change: p.Gly295fs; shifts the reading frame from glycine 295.
Molecular consequence: frameshift variant.
Genome position (GRCh38, 1-based): chr1:171,114,063-171,114,064, GC deleted. VCF-style (leftmost placement, unchanged base first): chr1-171114062-GGC-G. GRCh37 (hg19) VCF-style: chr1-171083202-GGC-G.
Other names: c.824_825del, p.Gly275fs (NM_001319173.2); c.695_696del, p.Gly232fs (NM_001319174.2); c.884_885del, p.Gly295fs (NM_006894.6); short protein forms G232fs, G275fs, G295fs.
Identifiers: ClinVar variation 5014475 (VCV005014475.1).
Genomic context (GRCh38, chr1:171,114,062, plus strand): 5'-TACAGAGTCCTGAGGAAAGAGCCTGTATTTAACGATGAGCTCCCAGCAAGCATTCTGTGT[GGC>G]ATTGTGTCCGTAAAGCCTAACGTGAAGGAATTCACAGAGACCTCGGCCATTTTTGAGGAT-3'

ClinVar aggregate classification (germline): Pathogenic (1 of 4 stars; one submission).

Conditions:
Trimethylaminuria (TMAU). Also called: FISH-ODOR SYNDROME; Fish malodor syndrome; Stale fish syndrome; TMAuria; Primary Trimethylaminuria. Identifiers: MedGen C0342739, MONDO:0011182, OMIM 602079, HP:0003614. Disease mechanism: loss of function.

Submission:

Myriad Genetics, Inc.
Classification: Pathogenic for Trimethylaminuria. Last evaluated: 2025-05-19. Review status: criteria provided, single submitter. Criteria: Myriad Autosomal Dominant, Autosomal Recessive and X-Linked Classification Criteria (2023). Collection method: clinical testing. Allele origin: unknown.
Comment: NM_001002294.2(FMO3):c.884_885delGC(G295Dfs*7) is expected to be pathogenic in the context of primary trimethylaminuria. This variant is predicted to lead to an abnormal or absent protein product due to the creation of a premature termination codon in FMO3, a gene where loss-of-function variants are known to be pathogenic. Please note: this variant was assessed in the context of healthy population screening.